The following is an entry in ClinVar:

NM_001031689.3(PLAA):c.122G>A (p.Arg41His)

Gene: PLAA (phospholipase A2 activating protein; minus strand). Cytogenetic location: 9p21.2.
Variant type: single nucleotide variant.
Coding change: c.122G>A on transcript NM_001031689.3 (MANE Select); coding-DNA position 122, G replaced by A.
Protein change: p.Arg41His; replaces arginine 41 with histidine.
Molecular consequence: missense variant.
Genome position (GRCh38, 1-based): chr9:26,946,924, C>T on the plus strand (G>A on the coding strand, the complement: PLAA is on the minus strand). VCF-style: chr9-26946924-C-T. GRCh37 (hg19) VCF-style: chr9-26946922-C-T.
Other names: c.122G>A, p.Arg41His (NM_001321546.2); short protein forms R41H.
Identifiers: ClinVar variation 1434774 (VCV001434774.5), dbSNP rs1458700480, ClinGen allele CA373114453.

ClinVar aggregate classification (germline): Uncertain significance (1 of 4 stars; one submission).

Allele frequency attached by ClinVar (database versions not stated): gnomAD exomes below 0.00001.
gnomAD v4.1: 6 of 1,576,942 alleles (0.00038%); highest among the groups gnomAD compares: South Asian, 0.0012%; no homozygotes.

Submission:

Labcorp Genetics (formerly Invitae), Labcorp
Classification: Uncertain significance. Last evaluated: 2022-08-09. Review status: criteria provided, single submitter. Criteria: Invitae Variant Classification Sherloc (09022015). Collection method: clinical testing. Allele origin: germline.
Comment: This sequence change replaces arginine, which is basic and polar, with histidine, which is basic and polar, at codon 41 of the PLAA protein (p.Arg41His). The frequency data for this variant in the population databases is considered unreliable, as metrics indicate poor data quality at this position in the gnomAD database. This variant has not been reported in the literature in individuals affected with PLAA-related conditions. ClinVar contains an entry for this variant (Variation ID: 1434774). Algorithms developed to predict the effect of missense changes on protein structure and function are either unavailable or do not agree on the potential impact of this missense change (SIFT: "Tolerated"; PolyPhen-2: "Probably Damaging"; Align-GVGD: "Class C0"). In summary, the available evidence is currently insufficient to determine the role of this variant in disease. Therefore, it has been classified as a Variant of Uncertain Significance.